The following is an entry in ClinVar:

ClinVar aggregate classification (germline): Uncertain significance (1 of 4 stars; one submission).

Conditions:
Hereditary cancer-predisposing syndrome. Also called: Neoplastic Syndromes, Hereditary; Tumor predisposition; Hereditary Cancer Syndrome; Hereditary neoplastic syndrome. Identifiers: Orphanet 140162, MedGen C0027672, MeSH D009386, MONDO:0015356.

Submission:

Ambry Genetics
Classification: Uncertain significance for Hereditary cancer-predisposing syndrome. Last evaluated: 2026-03-26. Review status: criteria provided, single submitter. Criteria: Ambry Variant Classification Scheme 2023. Collection method: clinical testing. Allele origin: germline.
Comment: The p.S53F variant (also known as c.158C>T), located in coding exon 2 of the RAD51C gene, results from a C to T substitution at nucleotide position 158. The serine at codon 53 is replaced by phenylalanine, an amino acid with highly dissimilar properties. This amino acid position is highly conserved in available vertebrate species. In addition, this alteration is predicted to be deleterious by in silico analysis. Based on the available evidence, the clinical significance of this variant remains unclear.

NM_058216.3(RAD51C):c.158C>T (p.Ser53Phe)

Gene: RAD51C (RAD51 paralog C; plus strand). Cytogenetic location: 17q22.
Variant type: single nucleotide variant.
Coding change: c.158C>T on transcript NM_058216.3 (MANE Select); coding-DNA position 158, C replaced by T.
Protein change: p.Ser53Phe; replaces serine 53 with phenylalanine.
Molecular consequence: missense variant. On other transcripts: non-coding transcript variant (2).
Genome position (GRCh38, 1-based): chr17:58,694,943, C>T. VCF-style: chr17-58694943-C-T. GRCh37 (hg19) VCF-style: chr17-56772304-C-T.
Other names: c.158C>T, p.Ser53Phe (NM_002876.4); short protein forms S53F.
Identifiers: ClinVar variation 4862930 (VCV004862930.1).